The following is an entry in ClinVar:

NM_005435.4(ARHGEF5):c.4149G>A (p.Pro1383=)

Gene: ARHGEF5 (Rho guanine nucleotide exchange factor 5; plus strand). Cytogenetic location: 7q35.
Variant type: single nucleotide variant.
Coding change: c.4149G>A on transcript NM_005435.4 (MANE Select); coding-DNA position 4149, G replaced by A.
Protein change: p.Pro1383=; no amino-acid change (proline 1383 retained).
Molecular consequence: synonymous variant.
Genome position (GRCh38, 1-based): chr7:144,374,740, G>A. VCF-style: chr7-144374740-G-A. GRCh37 (hg19) VCF-style: chr7-144071833-G-A.
Identifiers: ClinVar variation 2658130 (VCV002658130.24), dbSNP rs199530417, ClinGen allele CA4544337.

ClinVar aggregate classification (germline): Likely benign (1 of 4 stars; one submission).

Allele frequency attached by ClinVar (database versions not stated): 1000 Genomes Project 30x 0.00406; ExAC 0.00492.

Submission:

CeGaT Center for Human Genetics Tuebingen
Classification: Likely benign. Last evaluated: 2026-03-01. Review status: criteria provided, single submitter. Criteria: CeGaT Center For Human Genetics Tuebingen Variant Classification Criteria Version 2. Collection method: clinical testing. Allele origin: germline. Affected: yes. Observed: 7 variant alleles.
Comment: ARHGEF5: BP4, BP7